The following is an entry in ClinVar:

ClinVar aggregate classification (germline): Uncertain significance. Review status: criteria provided, multiple submitters, no conflicts (2 of 4 stars). 3 submissions from 3 submitters: Uncertain significance (3). Last evaluated 2026-02-23.

Conditions:
Wilson disease (WND). Also called: Wilson's disease. Identifiers: Orphanet 905, MedGen C0019202, MONDO:0010200, OMIM 277900. Disease mechanism: loss of function.

Allele frequency attached by ClinVar (database versions not stated): gnomAD exomes below 0.00001.
gnomAD v4.1: 3 of 1,614,204 alleles (0.00019%); highest among the groups gnomAD compares: Non-Finnish European, 0.00025%; no homozygotes.

Submissions (3):

Women's Health and Genetics/Laboratory Corporation of America, LabCorp
Classification: Uncertain significance. Last evaluated: 2026-02-23. Review status: criteria provided, single submitter. Criteria: LabCorp Variant Classification Summary - May 2015. Collection method: clinical testing. Allele origin: germline.

All of Us Research Program, National Institutes of Health
Classification: Uncertain significance for Wilson disease. Last evaluated: 2023-06-26. Review status: criteria provided, single submitter. Criteria: ACMG Guidelines, 2015. Collection method: clinical testing. Allele origin: germline. Inheritance: Autosomal recessive inheritance. Observed: 1 variant allele, 1 heterozygote.
Comment: This missense variant replaces serine with proline at codon 1162 of the ATP7B protein. Computational prediction is inconclusive regarding the impact of this variant on protein structure and function (internally defined REVEL score threshold 0.5 < inconclusive < 0.7, PMID: 27666373). To our knowledge, functional studies have not been reported for this variant. This variant has not been reported in individuals affected with ATP7B-related disorders in the literature. This variant has not been identified in the general population by the Genome Aggregation Database (gnomAD). The available evidence is insufficient to determine the role of this variant in disease conclusively. Therefore, this variant is classified as a Variant of Uncertain Significance.

This study involves interpretation of variants in research participants for the purpose of population health screening. Participant phenotype was not available at the time of variant classification. Additional details can be found in publication PMID: 35346344, PMCID: PMC8962531

Labcorp Genetics (formerly Invitae), Labcorp
Classification: Uncertain significance for Wilson disease. Last evaluated: 2022-06-08. Review status: criteria provided, single submitter. Criteria: Invitae Variant Classification Sherloc (09022015). Collection method: clinical testing. Allele origin: germline.
Comment: This sequence change replaces serine, which is neutral and polar, with proline, which is neutral and non-polar, at codon 1162 of the ATP7B protein (p.Ser1162Pro). This variant is not present in population databases (gnomAD no frequency). This variant has not been reported in the literature in individuals affected with ATP7B-related conditions. Advanced modeling of protein sequence and biophysical properties (such as structural, functional, and spatial information, amino acid conservation, physicochemical variation, residue mobility, and thermodynamic stability) performed at Invitae indicates that this missense variant is not expected to disrupt ATP7B protein function. In summary, the available evidence is currently insufficient to determine the role of this variant in disease. Therefore, it has been classified as a Variant of Uncertain Significance.

NM_000053.4(ATP7B):c.3484T>C (p.Ser1162Pro)

Gene: ATP7B (ATPase copper transporting beta; minus strand). Cytogenetic location: 13q14.3.
Variant type: single nucleotide variant.
Coding change: c.3484T>C on transcript NM_000053.4 (MANE Select); coding-DNA position 3484, T replaced by C.
Protein change: p.Ser1162Pro; replaces serine 1162 with proline.
Molecular consequence: missense variant.
Genome position (GRCh38, 1-based): chr13:51,941,153, A>G on the plus strand (T>C on the coding strand, the complement: ATP7B is on the minus strand). VCF-style: chr13-51941153-A-G. GRCh37 (hg19) VCF-style: chr13-52515289-A-G.
Other names: c.3151T>C, p.Ser1051Pro (NM_001243182.2); c.3250T>C, p.Ser1084Pro (NM_001330578.2); c.3232T>C, p.Ser1078Pro (NM_001330579.2); c.2863T>C, p.Ser955Pro (NM_001005918.3); short protein forms S955P, S1051P, S1084P, S1078P, S1162P.
Identifiers: ClinVar variation 1404876 (VCV001404876.5), dbSNP rs2138782354, ClinGen allele CA388026421.